The following is an entry in ClinVar:

NM_206933.4(USH2A):c.1179A>G (p.Gln393=)

Gene: USH2A (usherin; minus strand). Cytogenetic location: 1q41.
Variant type: single nucleotide variant.
Coding change: c.1179A>G on transcript NM_206933.4 (MANE Select); coding-DNA position 1179, A replaced by G.
Protein change: p.Gln393=; no amino-acid change (glutamine 393 retained).
Molecular consequence: synonymous variant.
Genome position (GRCh38, 1-based): chr1:216,324,317, T>C on the plus strand (A>G on the coding strand, the complement: USH2A is on the minus strand). VCF-style: chr1-216324317-T-C. GRCh37 (hg19) VCF-style: chr1-216497659-T-C.
Other names: p.Gln393=; c.1179A>G, p.Gln393= (NM_007123.6); c.1179A>G (NM_206933.3).
Identifiers: ClinVar variation 48383 (VCV000048383.56), dbSNP rs148447919, ClinGen allele CA143271.

ClinVar aggregate classification (germline): Conflicting classifications of pathogenicity. Review status: criteria provided, conflicting classifications (1 of 4 stars). 13 submissions from 12 submitters: Uncertain significance (2); Likely benign (7). 4 of the submissions do not count toward it. Last evaluated 2026-01-31.

Conditions:
Retinitis pigmentosa (RP). Identifiers: Orphanet 791, MedGen C0035334, MeSH D012174, MONDO:0019200, OMIM 268000. Inheritance: Autosomal dominant, autosomal recessive and X linked inheritance.
Usher syndrome type 2A. Also called: USHER SYNDROME, TYPE IIA; RETINAL DISEASE IN USHER SYNDROME TYPE IIA, MODIFIER OF. Identifiers: Orphanet 231178, Orphanet 886, MedGen C1848634, MONDO:0010169, OMIM 276901.

Allele frequency attached by ClinVar (database versions not stated): gnomAD 0.00118 and 0.00111; TOPMed 0.00121; ESP Exome Variant Server 0.00200; 1000 Genomes Project 30x 0.00031; 1000 Genomes Project 0.00040; gnomAD exomes 0.00093 and 0.00101; ExAC 0.00105.
gnomAD v4.1: 1,531 of 1,612,760 alleles (0.095%); highest among the groups gnomAD compares: Admixed American, 0.17%; 2 homozygotes.

Submissions (13):

Labcorp Genetics (formerly Invitae), Labcorp
Classification: Likely benign. Last evaluated: 2026-01-31. Review status: criteria provided, single submitter. Criteria: Invitae Variant Classification Sherloc (09022015). Collection method: clinical testing. Allele origin: germline.

Mayo Clinic Laboratories, Mayo Clinic
Classification: Likely benign. Last evaluated: 2025-09-10. Review status: criteria provided, single submitter. Criteria: ACMG Guidelines, 2015. Collection method: clinical testing. Allele origin: germline. Observed: 1 variant allele.
Comment: BS1_supporting, BP4, BP7

CeGaT Center for Human Genetics Tuebingen
Classification: Likely benign. Last evaluated: 2025-03-01. Review status: criteria provided, single submitter. Criteria: CeGaT Center For Human Genetics Tuebingen Variant Classification Criteria Version 2. Collection method: clinical testing. Allele origin: germline. Affected: yes. Observed: 3 variant alleles.
Comment: USH2A: BP4, BP7

Blueprint Genetics
Classification: Likely benign. Last evaluated: 2024-11-21. Review status: criteria provided, single submitter. Criteria: ACMG Guidelines, 2015. Collection method: clinical testing. Allele origin: germline.

GeneDx
Classification: Likely benign. Last evaluated: 2021-11-02. Review status: criteria provided, single submitter. Criteria: GeneDx Variant Classification Process June 2021. Collection method: clinical testing. Allele origin: germline. Affected: yes.
Comment: This variant is associated with the following publications: (PMID: 22004887)

Eurofins Ntd Llc (ga)
Classification: Likely benign. Last evaluated: 2018-06-14. Review status: criteria provided, single submitter. Criteria: EGL ClinVar v180209 classification definitions. Collection method: clinical testing. Allele origin: germline. Observed: 2 variant alleles, 2 heterozygotes.

Illumina Laboratory Services, Illumina
Classification: Uncertain significance for Usher syndrome type 2A. Last evaluated: 2018-01-13. Review status: criteria provided, single submitter. Criteria: ICSL Variant Classification Criteria 13 December 2019. Collection method: clinical testing. Allele origin: germline.

Illumina Laboratory Services, Illumina
Classification: Uncertain significance for Retinitis pigmentosa. Last evaluated: 2018-01-13. Review status: criteria provided, single submitter. Criteria: ICSL Variant Classification Criteria 13 December 2019. Collection method: clinical testing. Allele origin: germline.

Laboratory for Molecular Medicine, Mass General Brigham Personalized Medicine
Classification: Likely benign. Last evaluated: 2016-02-25. Review status: criteria provided, single submitter. Criteria: LMM Criteria. Collection method: clinical testing. Allele origin: germline. Observed: 7 variant alleles.
Comment: p.Gln393Gln in exon 7 of USH2A: This variant is not expected to have clinical si gnificance because it does not alter an amino acid residue, is not located withi n the splice consensus sequence, and has been identified in 0.2% (102/58878) of European chromosomes by the Exome Aggregation Consortium (ExAC; dbSNP rs148447919).

Natera, Inc.
Classification: Likely benign for Usher syndrome type 2A. Last evaluated: 2020-10-05. Review status: no assertion criteria provided. Collection method: clinical testing. Allele origin: germline. Not counted in ClinVar's aggregate classification.

Clinical Genetics DNA and cytogenetics Diagnostics Lab, Erasmus MC, Erasmus Medical Center
Classification: Likely benign. Review status: no assertion criteria provided. Collection method: clinical testing. Allele origin: germline. Affected: yes. Study: VKGL Data-share Consensus. Not counted in ClinVar's aggregate classification.

Clinical Genetics, Academic Medical Center
Classification: Likely benign. Review status: no assertion criteria provided. Collection method: clinical testing. Allele origin: germline. Affected: yes. Study: VKGL Data-share Consensus. Not counted in ClinVar's aggregate classification.

Joint Genome Diagnostic Labs from Nijmegen and Maastricht, Radboudumc and MUMC+
Classification: Likely benign. Review status: no assertion criteria provided. Collection method: clinical testing. Allele origin: germline. Affected: yes. Study: VKGL Data-share Consensus. Not counted in ClinVar's aggregate classification.

Literature cited by the submitters: PubMed 33057194 (cited by Mayo Clinic Laboratories, Mayo Clinic); PubMed 35982159 (cited by Mayo Clinic Laboratories, Mayo Clinic).